The following is an entry in ClinVar:

ClinVar aggregate classification (germline): Likely benign. Review status: criteria provided, multiple submitters, no conflicts (2 of 4 stars). 3 submissions from 3 submitters: Likely benign (3). Last evaluated 2025-08-16.

Conditions:
Cardiovascular phenotype. Identifiers: MedGen CN230736.

Allele frequency attached by ClinVar (database versions not stated): gnomAD 0.00001.
gnomAD v4.1: 12 of 1,515,452 alleles (0.00079%); highest among the groups gnomAD compares: Middle Eastern, 0.034%; no homozygotes.

Submissions (3):

Labcorp Genetics (formerly Invitae), Labcorp
Classification: Likely benign. Last evaluated: 2025-08-16. Review status: criteria provided, single submitter. Criteria: Invitae Variant Classification Sherloc (09022015). Collection method: clinical testing. Allele origin: germline.

Ambry Genetics
Classification: Likely benign for Cardiovascular phenotype. Last evaluated: 2025-04-19. Review status: criteria provided, single submitter. Criteria: Ambry Variant Classification Scheme 2023. Collection method: clinical testing. Allele origin: germline.

CeGaT Center for Human Genetics Tuebingen
Classification: Likely benign. Last evaluated: 2022-08-01. Review status: criteria provided, single submitter. Criteria: CeGaT Center For Human Genetics Tuebingen Variant Classification Criteria Version 2. Collection method: clinical testing. Allele origin: germline. Affected: yes. Observed: 1 variant allele.
Comment: ZNF469: BP4, BP7

NM_001367624.2(ZNF469):c.2808G>T (p.Ala936=)

Gene: ZNF469 (zinc finger protein 469; plus strand). Cytogenetic location: 16q24.2.
Variant type: single nucleotide variant.
Coding change: c.2808G>T on transcript NM_001367624.2 (MANE Select); coding-DNA position 2808, G replaced by T.
Protein change: p.Ala936=; no amino-acid change (alanine 936 retained).
Molecular consequence: synonymous variant.
Genome position (GRCh38, 1-based): chr16:88,430,278, G>T. VCF-style: chr16-88430278-G-T. GRCh37 (hg19) VCF-style: chr16-88496686-G-T.
Other names: NM_001127464.1:c.2808G>T.
Identifiers: ClinVar variation 2189885 (VCV002189885.28), dbSNP rs1489416487, ClinGen allele CA497353801.